The following is an entry in ClinVar:

ClinVar aggregate classification (germline): Pathogenic. Review status: criteria provided, multiple submitters, no conflicts (2 of 4 stars). 2 submissions from 2 submitters: Pathogenic (2). Last evaluated 2025-01-16.

Conditions:
Alpha-N-acetylgalactosaminidase deficiency. Identifiers: Orphanet 3137, MedGen C5848084, MONDO:0017779.
Alpha-N-acetylgalactosaminidase deficiency type 1. Also called: SCHINDLER DISEASE, TYPE I; ALPHA-N-ACETYLGALACTOSAMINIDASE DEFICIENCY, TYPE I; NAGA DEFICIENCY, TYPE I; NEUROAXONAL DYSTROPHY, SCHINDLER TYPE. Identifiers: Orphanet 3137, Orphanet 79279, Orphanet 79281, MedGen C1836544, MONDO:0012221, OMIM 609241.

Allele frequency attached by ClinVar (database versions not stated): TOPMed below 0.00001; ExAC 0.00002; gnomAD exomes below 0.00001.
gnomAD v4.1: 2 of 1,614,148 alleles (0.00012%); highest among the groups gnomAD compares: Non-Finnish European, 0.00017%; no homozygotes.

Submissions (2):

Myriad Genetics, Inc.
Classification: Pathogenic for Alpha-N-acetylgalactosaminidase deficiency. Last evaluated: 2025-01-16. Review status: criteria provided, single submitter. Criteria: Myriad Autosomal Dominant, Autosomal Recessive and X-Linked Classification Criteria (2023). Collection method: clinical testing. Allele origin: unknown.
Comment: NM_000262.2(NAGA):c.635G>A(W212*) is expected to be pathogenic in the context of NAGA-related disorders. This variant is predicted to lead to an abnormal or absent protein product due to the creation of a premature termination codon in NAGA, a gene where loss-of-function variants are known to be pathogenic. Please note: this variant was assessed in the context of healthy population screening.

Labcorp Genetics (formerly Invitae), Labcorp
Classification: Pathogenic for Alpha-N-acetylgalactosaminidase deficiency type 1. Last evaluated: 2023-03-25. Review status: criteria provided, single submitter. Criteria: Invitae Variant Classification Sherloc (09022015). Collection method: clinical testing. Allele origin: germline.
Comment: This sequence change creates a premature translational stop signal (p.Trp212*) in the NAGA gene. It is expected to result in an absent or disrupted protein product. Loss-of-function variants in NAGA are known to be pathogenic (PMID: 8782044, 11251574). This variant is present in population databases (rs756136933, gnomAD 0.002%). This variant has not been reported in the literature in individuals affected with NAGA-related conditions. For these reasons, this variant has been classified as Pathogenic.

Literature cited by the submitters: PubMed 8782044 (cited by Labcorp Genetics (formerly Invitae), Labcorp); PubMed 11251574 (cited by Labcorp Genetics (formerly Invitae), Labcorp).

NM_000262.3(NAGA):c.635G>A (p.Trp212Ter)

Gene: NAGA (alpha-N-acetylgalactosaminidase; minus strand). Cytogenetic location: 22q13.2.
Variant type: single nucleotide variant.
Coding change: c.635G>A on transcript NM_000262.3 (MANE Select); coding-DNA position 635, G replaced by A.
Protein change: p.Trp212Ter; replaces tryptophan 212 with a stop codon.
Molecular consequence: nonsense.
Genome position (GRCh38, 1-based): chr22:42,065,862, C>T on the plus strand (G>A on the coding strand, the complement: NAGA is on the minus strand). VCF-style: chr22-42065862-C-T. GRCh37 (hg19) VCF-style: chr22-42461866-C-T.
Other names: c.635G>A, p.Trp212Ter (NM_001362848.1, NM_001362850.1); short protein forms W212*.
Identifiers: ClinVar variation 3010084 (VCV003010084.4), dbSNP rs756136933, ClinGen allele CA10263730.